The following is an entry in ClinVar:

ClinVar aggregate classification (germline): Uncertain significance. Review status: criteria provided, multiple submitters, no conflicts (2 of 4 stars). 2 submissions from 2 submitters: Uncertain significance (2). Last evaluated 2025-12-08.

Conditions:
Hereditary cancer-predisposing syndrome. Also called: Tumor predisposition; Hereditary neoplastic syndrome; Neoplastic Syndromes, Hereditary; Hereditary Cancer Syndrome. Identifiers: Orphanet 140162, MedGen C0027672, MeSH D009386, MONDO:0015356.

Allele frequency attached by ClinVar (database versions not stated): TOPMed below 0.00001; gnomAD 0.00001; gnomAD exomes 0.00001.
gnomAD v4.1: 7 of 1,613,966 alleles (0.00043%); highest among the groups gnomAD compares: Non-Finnish European, 0.00059%; no homozygotes.

Submissions (2):

Labcorp Genetics (formerly Invitae), Labcorp
Classification: Uncertain significance. Last evaluated: 2025-12-08. Review status: criteria provided, single submitter. Criteria: Invitae Variant Classification Sherloc (09022015). Collection method: clinical testing. Allele origin: germline.
Comment: This sequence change replaces glutamic acid, which is acidic and polar, with glycine, which is neutral and non-polar, at codon 437 of the MSH3 protein (p.Glu437Gly). This variant is not present in population databases (gnomAD no frequency). This variant has not been reported in the literature in individuals affected with MSH3-related conditions. ClinVar contains an entry for this variant (Variation ID: 844992). An algorithm developed to predict the effect of missense changes on protein structure and function (PolyPhen-2) suggests that this variant is likely to be tolerated. In summary, the available evidence is currently insufficient to determine the role of this variant in disease. Therefore, it has been classified as a Variant of Uncertain Significance.

Ambry Genetics
Classification: Uncertain significance for Hereditary cancer-predisposing syndrome. Last evaluated: 2025-04-13. Review status: criteria provided, single submitter. Criteria: Ambry Variant Classification Scheme 2023. Collection method: clinical testing. Allele origin: germline.
Comment: The p.E437G variant (also known as c.1310A>G), located in coding exon 8 of the MSH3 gene, results from an A to G substitution at nucleotide position 1310. The glutamic acid at codon 437 is replaced by glycine, an amino acid with similar properties. This amino acid position is well conserved in available vertebrate species. In addition, the in silico prediction for this alteration is inconclusive. Since supporting evidence is limited at this time, the clinical significance of this alteration remains unclear.

NM_002439.5(MSH3):c.1310A>G (p.Glu437Gly)

Gene: MSH3 (mutS homolog 3; plus strand). Cytogenetic location: 5q14.1.
Variant type: single nucleotide variant.
Coding change: c.1310A>G on transcript NM_002439.5 (MANE Select); coding-DNA position 1310, A replaced by G.
Protein change: p.Glu437Gly; replaces glutamic acid 437 with glycine.
Molecular consequence: missense variant.
Genome position (GRCh38, 1-based): chr5:80,679,063, A>G. VCF-style: chr5-80679063-A-G. GRCh37 (hg19) VCF-style: chr5-79974882-A-G.
Other names: short protein forms E437G.
Identifiers: ClinVar variation 844992 (VCV000844992.13), dbSNP rs1467599861, ClinGen allele CA360269093.